The following is an entry in ClinVar:

NM_005228.5(EGFR):c.3114+4T>G

Gene: EGFR (epidermal growth factor receptor; plus strand). Cytogenetic location: 7p11.2.
Variant type: single nucleotide variant.
Coding change: c.3114+4T>G on transcript NM_005228.5 (MANE Select); 4 bases into the intron after coding-DNA position 3114, T replaced by G.
Molecular consequence: intron variant.
Genome position (GRCh38, 1-based): chr7:55,201,359, T>G. VCF-style: chr7-55201359-T-G. GRCh37 (hg19) VCF-style: chr7-55269052-T-G.
Other names: c.2979+4T>G (NM_001346899.2, NM_001346897.2); c.2313+4T>G (NM_001346941.2); c.3114+4T>G (NM_001346898.2); c.2955+4T>G (NM_001346900.2).
Identifiers: ClinVar variation 856995 (VCV000856995.10), dbSNP rs372917735, ClinGen allele CA4266262.

ClinVar aggregate classification (germline): Uncertain significance. Review status: criteria provided, multiple submitters, no conflicts (2 of 4 stars). 2 submissions from 2 submitters: Uncertain significance (2). Last evaluated 2025-06-14.

Conditions:
EGFR-related lung cancer (EGFR). Identifiers: MedGen CN130014.
Hereditary cancer-predisposing syndrome. Also called: Tumor predisposition; Hereditary neoplastic syndrome; Neoplastic Syndromes, Hereditary; Hereditary Cancer Syndrome. Identifiers: Orphanet 140162, MedGen C0027672, MeSH D009386, MONDO:0015356.

Allele frequency attached by ClinVar (database versions not stated): TOPMed below 0.00001; gnomAD 0.00001; ESP Exome Variant Server 0.00008.
gnomAD v4.1: 26 of 1,614,028 alleles (0.0016%); highest among the groups gnomAD compares: Non-Finnish European, 0.0022%; no homozygotes.

Submissions (2):

Labcorp Genetics (formerly Invitae), Labcorp
Classification: Uncertain significance for EGFR-related lung cancer. Last evaluated: 2025-06-14. Review status: criteria provided, single submitter. Criteria: Invitae Variant Classification Sherloc (09022015). Collection method: clinical testing. Allele origin: germline.
Comment: This sequence change falls in intron 25 of the EGFR gene. It does not directly change the encoded amino acid sequence of the EGFR protein. It affects a nucleotide within the consensus splice site. This variant is present in population databases (rs372917735, gnomAD 0.005%). This variant has not been reported in the literature in individuals affected with EGFR-related conditions. ClinVar contains an entry for this variant (Variation ID: 856995). Variants that disrupt the consensus splice site are a relatively common cause of aberrant splicing (PMID: 17576681, 9536098). Algorithms developed to predict the effect of sequence changes on RNA splicing suggest that this variant is not likely to affect RNA splicing. In summary, the available evidence is currently insufficient to determine the role of this variant in disease. Therefore, it has been classified as a Variant of Uncertain Significance.

Ambry Genetics
Classification: Uncertain significance for Hereditary cancer-predisposing syndrome. Last evaluated: 2025-04-11. Review status: criteria provided, single submitter. Criteria: Ambry Variant Classification Scheme 2023. Collection method: clinical testing. Allele origin: germline.
Comment: The c.3114+4T>G intronic variant results from a T to G substitution 4 nucleotides after coding exon 25 in the EGFR gene. This nucleotide position is not well conserved in available vertebrate species. In silico splice site analysis predicts that this alteration will not have any significant effect on splicing. Based on the available evidence, the clinical significance of this variant remains unclear.

Literature cited by the submitters: PubMed 17576681 (cited by Labcorp Genetics (formerly Invitae), Labcorp); PubMed 9536098 (cited by Labcorp Genetics (formerly Invitae), Labcorp).